The following is an entry in ClinVar:

NM_001008537.3(NEXMIF):c.1159G>T (p.Glu387Ter)

Gene: NEXMIF (neurite extension and migration factor; minus strand). Cytogenetic location: Xq13.3.
Variant type: single nucleotide variant.
Coding change: c.1159G>T on transcript NM_001008537.3 (MANE Select); coding-DNA position 1159, G replaced by T.
Protein change: p.Glu387Ter; replaces glutamic acid 387 with a stop codon.
Molecular consequence: nonsense.
Genome position (GRCh38, 1-based): chrX:74,743,398, C>A on the plus strand (G>T on the coding strand, the complement: NEXMIF is on the minus strand). VCF-style: chrX-74743398-C-A. GRCh37 (hg19) VCF-style: chrX-73963233-C-A.
Other names: short protein forms E387*.
Identifiers: ClinVar variation 1033187 (VCV001033187.1), dbSNP rs2080114203, ClinGen allele CA413671194.
Genomic context (GRCh38, chrX:74,743,398, plus strand): 5'-GCTTTTCTCCATTATCCTTTCCATCTTTCTTCTCTACACCTTTGTCTTCCTGTCCTTCCT[C>A]TTTGCCTTTCTTCTTGTCCAAGTTTTTATCTTCCTCCCCCCAGATGATGCTCACATCAGG-3'

ClinVar aggregate classification (germline): Pathogenic (1 of 4 stars; one submission).

Conditions:
X-linked intellectual disability, Cantagrel type (XLID98). Also called: INTELLECTUAL DEVELOPMENTAL DISORDER, X-LINKED 98. Identifiers: Orphanet 85277, MedGen C3806730, MONDO:0010483, OMIM 300912.

Submission:

Baylor Genetics
Classification: Pathogenic for X-linked intellectual disability, Cantagrel type. Last evaluated: 2018-03-26. Review status: criteria provided, single submitter. Criteria: ACMG Guidelines, 2015. Collection method: clinical testing. Allele origin: de novo. Affected: yes.
Comment: This variant was determined to be pathogenic according to ACMG Guidelines, 2015 [PMID:25741868].